The following is an entry in ClinVar:

ClinVar aggregate classification (germline): Benign (0 of 4 stars; one submission).

Conditions:
PCOLCE-related disorder. Also called: PCOLCE-related condition.

Allele frequency attached by ClinVar (database versions not stated): 1000 Genomes Project 30x 0.00312; 1000 Genomes Project 0.00319; ESP Exome Variant Server 0.00492; gnomAD 0.00501; ExAC 0.00529; TOPMed 0.00575; gnomAD exomes 0.00618.
gnomAD v4.1: 9,830 of 1,613,744 alleles (0.61%); highest among the groups gnomAD compares: Middle Eastern, 0.69%; 40 homozygotes.

Submission:

PreventionGenetics, part of Exact Sciences
Classification: Benign for PCOLCE-related condition. Last evaluated: 2019-05-10. Review status: no assertion criteria provided. Collection method: clinical testing. Allele origin: germline.
Comment: This variant is classified as benign based on ACMG/AMP sequence variant interpretation guidelines (Richards et al. 2015 PMID: 25741868, with internal and published modifications).

NM_002593.4(PCOLCE):c.1327C>T (p.Arg443Trp)

Gene: PCOLCE (procollagen C-endopeptidase enhancer; plus strand). Cytogenetic location: 7q22.1.
Variant type: single nucleotide variant.
Coding change: c.1327C>T on transcript NM_002593.4 (MANE Select); coding-DNA position 1327, C replaced by T.
Protein change: p.Arg443Trp; replaces arginine 443 with tryptophan.
Molecular consequence: missense variant.
Genome position (GRCh38, 1-based): chr7:100,608,080, C>T. VCF-style: chr7-100608080-C-T. GRCh37 (hg19) VCF-style: chr7-100205703-C-T.
Other names: short protein forms R443W.
Identifiers: ClinVar variation 3041695 (VCV003041695.2), dbSNP rs117595600, ClinGen allele CA4385857.
Genomic context (GRCh38, chr7:100,608,080, plus strand): 5'-CCCAACCAGGACCAGATCCTCACCAACCTAAGCAAGAGGAAGTGCCCCTCTCAACCTGTG[C>T]GGGCTGCTGCGTCCCAGGACTGAGACGCAGGCCAGCCCCGGCCCCTAGCCCTCAGGCCTT-3'
Protein context (NP_002584.2, residues 433-449): SKRKCPSQPV[Arg443Trp]AAASQD